The following is an entry in ClinVar:

ClinVar aggregate classification (germline): Uncertain significance (1 of 4 stars; one submission).

gnomAD v4.1: 9 of 1,613,730 alleles (0.00056%); highest among the groups gnomAD compares: South Asian, 0.0022%; no homozygotes.

Submission:

Labcorp Genetics (formerly Invitae), Labcorp
Classification: Uncertain significance. Last evaluated: 2025-06-19. Review status: criteria provided, single submitter. Criteria: Invitae Variant Classification Sherloc (09022015). Collection method: clinical testing. Allele origin: germline.
Comment: This sequence change replaces glycine, which is neutral and non-polar, with arginine, which is basic and polar, at codon 1117 of the IGF1R protein (p.Gly1117Arg). This variant is present in population databases (rs774388898, gnomAD 0.004%). This variant has not been reported in the literature in individuals affected with IGF1R-related conditions. Invitae Evidence Modeling of protein sequence and biophysical properties (such as structural, functional, and spatial information, amino acid conservation, physicochemical variation, residue mobility, and thermodynamic stability) indicates that this missense variant is expected to disrupt IGF1R protein function with a positive predictive value of 80%. In summary, the available evidence is currently insufficient to determine the role of this variant in disease. Therefore, it has been classified as a Variant of Uncertain Significance.

NM_000875.5(IGF1R):c.3349G>A (p.Gly1117Arg)

Gene: IGF1R (insulin like growth factor 1 receptor; plus strand). Cytogenetic location: 15q26.3.
Variant type: single nucleotide variant.
Coding change: c.3349G>A on transcript NM_000875.5 (MANE Select); coding-DNA position 3349, G replaced by A.
Protein change: p.Gly1117Arg; replaces glycine 1117 with arginine.
Molecular consequence: missense variant.
Genome position (GRCh38, 1-based): chr15:98,939,252, G>A. VCF-style: chr15-98939252-G-A. GRCh37 (hg19) VCF-style: chr15-99482481-G-A.
Other names: c.3346G>A, p.Gly1116Arg (NM_001291858.2); short protein forms G1116R, G1117R.
Identifiers: ClinVar variation 4696310 (VCV004696310.1).